The following is an entry in ClinVar:

NM_001384910.1(GUCA1A):c.90del (p.Ser31fs)

Genes: GUCA1A (guanylate cyclase activator 1A; plus strand), GUCA1ANB-GUCA1A (GUCA1ANB-GUCA1A readthrough; plus strand). Cytogenetic location: 6p21.1.
Variant type: Deletion.
Coding change: c.90del on transcript NM_001384910.1 (MANE Select); coding-DNA position 90, one base deleted (C; older notation c.90delC).
Protein change: p.Ser31fs; shifts the reading frame from serine 31.
Molecular consequence: frameshift variant.
Genome position (GRCh38, 1-based): chr6:42,173,703, C deleted; the last of 4 consecutive C bases (chr6:42,173,700-42,173,703); deleting any one gives the same sequence. VCF-style (leftmost placement, unchanged base first): chr6-42173699-GC-G. GRCh37 (hg19) VCF-style: chr6-42141437-GC-G.
Other names: c.90del, p.Ser31fs (NM_000409.5, NM_001319061.2, NM_001319062.2); short protein forms S31fs.
Identifiers: ClinVar variation 2122417 (VCV002122417.4), dbSNP rs2546714049, ClinGen allele CA2580074508.

ClinVar aggregate classification (germline): Uncertain significance (1 of 4 stars; one submission).

Submission:

Labcorp Genetics (formerly Invitae), Labcorp
Classification: Uncertain significance. Last evaluated: 2022-04-07. Review status: criteria provided, single submitter. Criteria: Invitae Variant Classification Sherloc (09022015). Collection method: clinical testing. Allele origin: germline.
Comment: In summary, the available evidence is currently insufficient to determine the role of this variant in disease. Therefore, it has been classified as a Variant of Uncertain Significance. This variant has not been reported in the literature in individuals affected with GUCA1A-related conditions. This variant is not present in population databases (gnomAD no frequency). This sequence change creates a premature translational stop signal (p.Ser31Leufs*18) in the GUCA1A gene. It is expected to result in an absent or disrupted protein product. However, the current clinical and genetic evidence is not sufficient to establish whether loss-of-function variants in GUCA1A cause disease.